The following is an entry in ClinVar:

NM_001372076.1(PAX9):c.482C>A (p.Ser161Ter)

Gene: PAX9 (paired box 9; plus strand). Cytogenetic location: 14q13.3.
Variant type: single nucleotide variant.
Coding change: c.482C>A on transcript NM_001372076.1 (MANE Select); coding-DNA position 482, C replaced by A.
Protein change: p.Ser161Ter; replaces serine 161 with a stop codon.
Molecular consequence: nonsense.
Genome position (GRCh38, 1-based): chr14:36,663,374, C>A. VCF-style: chr14-36663374-C-A. GRCh37 (hg19) VCF-style: chr14-37132579-C-A.
Other names: c.482C>A, p.Ser161Ter (NM_006194.4); short protein forms S161*.
Identifiers: ClinVar variation 1351209 (VCV001351209.6), dbSNP rs2139108563, ClinGen allele CA389466931.

ClinVar aggregate classification (germline): Pathogenic (1 of 4 stars; one submission).

Conditions:
Hypodontia. Also called: Partial congenital absence of teeth; TOOTH AGENESIS, FAMILIAL; Tooth agenesis, selective. Identifiers: Orphanet 99798, MedGen C0020608, MONDO:0005486, HP:0000668. Disease mechanism: loss of function.

Submission:

Labcorp Genetics (formerly Invitae), Labcorp
Classification: Pathogenic for Hypodontia. Last evaluated: 2021-02-14. Review status: criteria provided, single submitter. Criteria: Invitae Variant Classification Sherloc (09022015). Collection method: clinical testing. Allele origin: germline.
Comment: This variant has not been reported in the literature in individuals with PAX9-related conditions. This sequence change creates a premature translational stop signal (p.Ser161*) in the PAX9 gene. It is expected to result in an absent or disrupted protein product. Loss-of-function variants in PAX9 are known to be pathogenic (PMID: 14607846, 16236760, 16479262). This variant is not present in population databases (ExAC no frequency). Algorithms developed to predict the effect of sequence changes on RNA splicing suggest that this variant may create or strengthen a splice site, but this prediction has not been confirmed by published transcriptional studies. For these reasons, this variant has been classified as Pathogenic.

Literature cited by the submitters: PubMed 14607846; PubMed 16236760; PubMed 16479262.